The following is an entry in ClinVar:

ClinVar aggregate classification (germline): Uncertain significance (1 of 4 stars; one submission).

Conditions:
Arrhythmogenic cardiomyopathy with wooly hair and keratoderma. Also called: PALMOPLANTAR KERATODERMA WITH LEFT VENTRICULAR CARDIOMYOPATHY AND WOOLLY HAIR; Carvajal syndrome; Dilated cardiomyopathy with woolly hair and keratoderma; Arrhythmogenic cardiomyopathy with woolly hair and keratoderma. Identifiers: Orphanet 65282, MedGen C1854063, MONDO:0011581, OMIM 605676.

Allele frequency attached by ClinVar (database versions not stated): gnomAD exomes below 0.00001.
gnomAD v4.1: 2 of 1,613,930 alleles (0.00012%); highest among the groups gnomAD compares: Non-Finnish European, 0.00017%; no homozygotes.

Submission:

All of Us Research Program, National Institutes of Health
Classification: Uncertain significance for Arrhythmogenic cardiomyopathy with wooly hair and keratoderma. Last evaluated: 2023-06-26. Review status: criteria provided, single submitter. Criteria: ACMG Guidelines, 2015. Collection method: clinical testing. Allele origin: germline. Inheritance: Autosomal dominant inheritance. Observed: 1 variant allele, 1 heterozygote.
Comment: This missense variant replaces glutamic acid with aspartic acid at codon 1117 of the DSP protein. Computational prediction suggests that this variant may not impact protein structure and function (internally defined REVEL score threshold <= 0.5, PMID: 27666373). To our knowledge, functional studies have not been reported for this variant. This variant has not been reported in individuals affected with DSP-related disorders in the literature. This variant has not been identified in the general population by the Genome Aggregation Database (gnomAD). The available evidence is insufficient to determine the role of this variant in disease conclusively. Therefore, this variant is classified as a Variant of Uncertain Significance.

This study involves interpretation of variants in research participants for the purpose of population health screening. Participant phenotype was not available at the time of variant classification. Additional details can be found in publication PMID: 35346344, PMCID: PMC8962531

NM_004415.4(DSP):c.3351G>T (p.Glu1117Asp)

Gene: DSP (desmoplakin; plus strand). Cytogenetic location: 6p24.3.
Variant type: single nucleotide variant.
Coding change: c.3351G>T on transcript NM_004415.4 (MANE Select); coding-DNA position 3351, G replaced by T.
Protein change: p.Glu1117Asp; replaces glutamic acid 1117 with aspartic acid.
Molecular consequence: missense variant.
Genome position (GRCh38, 1-based): chr6:7,579,541, G>T. VCF-style: chr6-7579541-G-T. GRCh37 (hg19) VCF-style: chr6-7579774-G-T.
Other names: c.3351G>T, p.Glu1117Asp (NM_001008844.3, NM_001319034.2); short protein forms E1117D.
Identifiers: ClinVar variation 3071771 (VCV003071771.1), dbSNP rs1759350245, ClinGen allele CA362683770.